The following is an entry in ClinVar:

ClinVar aggregate classification (germline): Likely benign (1 of 4 stars; one submission).

gnomAD v4.1: 18 of 1,614,164 alleles (0.0011%); highest among the groups gnomAD compares: South Asian, 0.0033%; no homozygotes.

Submission:

CeGaT Center for Human Genetics Tuebingen
Classification: Likely benign. Last evaluated: 2024-11-01. Review status: criteria provided, single submitter. Criteria: CeGaT Center For Human Genetics Tuebingen Variant Classification Criteria Version 2. Collection method: clinical testing. Allele origin: germline. Affected: yes. Observed: 1 variant allele.
Comment: SPTB: BP4, BP7

NM_001355436.2(SPTB):c.1785C>T (p.Thr595=)

Gene: SPTB (spectrin beta, erythrocytic; minus strand). Cytogenetic location: 14q23.3.
Variant type: single nucleotide variant.
Coding change: c.1785C>T on transcript NM_001355436.2 (MANE Select); coding-DNA position 1785, C replaced by T.
Protein change: p.Thr595=; no amino-acid change (threonine 595 retained).
Molecular consequence: synonymous variant.
Genome position (GRCh38, 1-based): chr14:64,794,477, G>A on the plus strand (C>T on the coding strand, the complement: SPTB is on the minus strand). VCF-style: chr14-64794477-G-A. GRCh37 (hg19) VCF-style: chr14-65261195-G-A.
Other names: c.1785C>T, p.Thr595= (NM_001024858.4, NM_001355437.2).
Identifiers: ClinVar variation 3390057 (VCV003390057.14).